The following is an entry in ClinVar:

ClinVar aggregate classification (germline): Uncertain significance (1 of 4 stars; one submission).

Conditions:
Spastic ataxia 2. Also called: Ataxia, spastic, 2, autosomal recessive. Identifiers: Orphanet 397946, MedGen C1969796, MONDO:0012651, OMIM 611302.

Submission:

Labcorp Genetics (formerly Invitae), Labcorp
Classification: Uncertain significance for Spastic ataxia 2. Last evaluated: 2021-06-30. Review status: criteria provided, single submitter. Criteria: Invitae Variant Classification Sherloc (09022015). Collection method: clinical testing. Allele origin: germline.
Comment: This variant has not been reported in the literature in individuals affected with KIF1C-related conditions. The frequency data for this variant in the population databases is considered unreliable, as metrics indicate poor data quality at this position in the ExAC database. This sequence change creates a premature translational stop signal (p.Pro1080Hisfs*8) in the KIF1C gene. While this is not anticipated to result in nonsense mediated decay, it is expected to disrupt the last 24 amino acid(s) of the KIF1C protein. In summary, the available evidence is currently insufficient to determine the role of this variant in disease. Therefore, it has been classified as a Variant of Uncertain Significance.

NM_006612.6(KIF1C):c.3239del (p.Pro1080fs)

Gene: KIF1C (kinesin family member 1C; plus strand). Cytogenetic location: 17p13.2.
Variant type: Deletion.
Coding change: c.3239del on transcript NM_006612.6 (MANE Select); coding-DNA position 3239, one base deleted (C; older notation c.3239delC).
Protein change: p.Pro1080fs; shifts the reading frame from proline 1080.
Molecular consequence: frameshift variant.
Genome position (GRCh38, 1-based): chr17:5,024,078, C deleted; the last of 6 consecutive C bases (chr17:5,024,073-5,024,078); deleting any one gives the same sequence. VCF-style (leftmost placement, unchanged base first): chr17-5024072-AC-A. GRCh37 (hg19) VCF-style: chr17-4927367-AC-A.
Other names: short protein forms P1080fs.
Identifiers: ClinVar variation 1384142 (VCV001384142.6), dbSNP rs753993722, ClinGen allele CA8319512.